The following is an entry in ClinVar:

NM_013275.6(ANKRD11):c.6071C>T (p.Pro2024Leu)

Gene: ANKRD11 (ankyrin repeat domain 11; minus strand). Cytogenetic location: 16q24.3.
Variant type: single nucleotide variant.
Coding change: c.6071C>T on transcript NM_013275.6 (MANE Select); coding-DNA position 6071, C replaced by T.
Protein change: p.Pro2024Leu; replaces proline 2024 with leucine.
Molecular consequence: missense variant.
Genome position (GRCh38, 1-based): chr16:89,280,471, G>A on the plus strand (C>T on the coding strand, the complement: ANKRD11 is on the minus strand). VCF-style: chr16-89280471-G-A. GRCh37 (hg19) VCF-style: chr16-89346879-G-A.
Other names: c.6071C>T, p.Pro2024Leu (NM_001256182.2, NM_001256183.2); short protein forms P2024L.
Identifiers: ClinVar variation 1751397 (VCV001751397.4), dbSNP rs760859183, ClinGen allele CA8241608.
Genomic context (GRCh38, chr16:89,280,471, plus strand): 5'-ACGGCGTCCACTCCGTCCTTGACGTCCTCCAGCCCCGGCTCAGCGACGGGCAGAGCGTAC[G>A]GGGCAGGAGAGGCGGGAGGGGCGGGGTACGGCGCCTCCGAGGCGCTGAAGGGCCCTGGGG-3'
Protein context (NP_037407.4, residues 2014-2034): PYPAPPASPA[Pro2024Leu]YALPVAEPGL

ClinVar aggregate classification (germline): Uncertain significance. Review status: criteria provided, multiple submitters, no conflicts (2 of 4 stars). 2 submissions from 2 submitters: Uncertain significance (2). Last evaluated 2024-10-12.

Conditions:
KBG syndrome (KBGS). Also called: ANKRD11-Related KBG Syndrome. Identifiers: Orphanet 2332, MedGen C0220687, MONDO:0007846, OMIM 148050.
Inborn genetic diseases. Identifiers: MedGen C0950123, MeSH D030342.

Allele frequency attached by ClinVar (database versions not stated): ExAC 0.00002.
gnomAD v4.1: 27 of 1,603,114 alleles (0.0017%); highest among the groups gnomAD compares: Middle Eastern, 0.017%; no homozygotes.

Submissions (2):

Labcorp Genetics (formerly Invitae), Labcorp
Classification: Uncertain significance for KBG syndrome. Last evaluated: 2024-10-12. Review status: criteria provided, single submitter. Criteria: Invitae Variant Classification Sherloc (09022015). Collection method: clinical testing. Allele origin: germline.
Comment: This sequence change replaces proline, which is neutral and non-polar, with leucine, which is neutral and non-polar, at codon 2024 of the ANKRD11 protein (p.Pro2024Leu). This variant is present in population databases (rs760859183, gnomAD 0.02%). This variant has not been reported in the literature in individuals affected with ANKRD11-related conditions. ClinVar contains an entry for this variant (Variation ID: 1751397). Invitae Evidence Modeling of protein sequence and biophysical properties (such as structural, functional, and spatial information, amino acid conservation, physicochemical variation, residue mobility, and thermodynamic stability) indicates that this missense variant is not expected to disrupt ANKRD11 protein function with a negative predictive value of 95%. In summary, the available evidence is currently insufficient to determine the role of this variant in disease. Therefore, it has been classified as a Variant of Uncertain Significance.

Ambry Genetics
Classification: Uncertain significance for Inborn genetic diseases. Last evaluated: 2018-11-07. Review status: criteria provided, single submitter. Criteria: Ambry Variant Classification Scheme 2023. Collection method: clinical testing. Allele origin: germline.
Comment: The p.P2024L variant (also known as c.6071C>T), located in coding exon 7 of the ANKRD11 gene, results from a C to T substitution at nucleotide position 6071. The proline at codon 2024 is replaced by leucine, an amino acid with similar properties. This amino acid position is highly conserved in available vertebrate species. In addition, this alteration is predicted to be tolerated by in silico analysis. Since supporting evidence is limited at this time, the clinical significance of this alteration remains unclear.